The following is an entry in ClinVar:

ClinVar aggregate classification (germline): Uncertain significance (1 of 4 stars; one submission).

Submission:

GeneDx
Classification: Uncertain significance. Last evaluated: 2019-10-15. Review status: criteria provided, single submitter. Criteria: GeneDx Variant Classification Process June 2021. Collection method: clinical testing. Allele origin: germline. Affected: yes.
Comment: Not observed in large population cohorts (Lek et al., 2016); In silico analysis, which includes protein predictors and evolutionary conservation, supports a deleterious effect; Has not been previously published as pathogenic or benign to our knowledge

NM_001127222.2(CACNA1A):c.1582C>T (p.Leu528Phe)

Gene: CACNA1A (calcium voltage-gated channel subunit alpha1 A; minus strand). Cytogenetic location: 19p13.13.
Variant type: single nucleotide variant.
Coding change: c.1582C>T on transcript NM_001127222.2 (MANE Select); coding-DNA position 1582, C replaced by T.
Protein change: p.Leu528Phe; replaces leucine 528 with phenylalanine.
Molecular consequence: missense variant.
Genome position (GRCh38, 1-based): chr19:13,312,755, G>A on the plus strand (C>T on the coding strand, the complement: CACNA1A is on the minus strand). VCF-style: chr19-13312755-G-A. GRCh37 (hg19) VCF-style: chr19-13423569-G-A.
Other names: c.1585C>T, p.Leu529Phe (NM_000068.4, NM_001127221.2, NM_001174080.2 and 1 more transcripts); short protein forms L528F, L529F.
Identifiers: ClinVar variation 1309091 (VCV001309091.2), dbSNP rs2145030759, ClinGen allele CA404345472.
Genomic context (GRCh38, chr19:13,312,755, plus strand): 5'-AGTGGAAGTAAGGCCGCGTCCCAAGCCCGTACATTTTTATAAACATTTCGGACATAAAGA[G>A]TCCTAAGAAAATGAATTCTGCATAGTCTAGAAGGGAGAAGGAGGAAACAGAGAGGAGGTT-3'
Protein context (NP_001120694.1, residues 518-538): LYYAEFIFLG[Leu528Phe]FMSEMFIKMY